The following is an entry in ClinVar:

NM_000053.4(ATP7B):c.3121C>T (p.Arg1041Trp)

Gene: ATP7B (ATPase copper transporting beta; minus strand). Cytogenetic location: 13q14.3.
Variant type: single nucleotide variant.
Coding change: c.3121C>T on transcript NM_000053.4 (MANE Select); coding-DNA position 3121, C replaced by T.
Protein change: p.Arg1041Trp; replaces arginine 1041 with tryptophan.
Molecular consequence: missense variant.
Genome position (GRCh38, 1-based): chr13:51,944,231, G>A on the plus strand (C>T on the coding strand, the complement: ATP7B is on the minus strand). VCF-style: chr13-51944231-G-A. GRCh37 (hg19) VCF-style: chr13-52518367-G-A.
Other names: c.2500C>T, p.Arg834Trp (NM_001005918.3); c.2788C>T, p.Arg930Trp (NM_001243182.2); c.2887C>T, p.Arg963Trp (NM_001330578.2); c.2869C>T, p.Arg957Trp (NM_001330579.2); short protein forms R1041W, R834W, R930W, R957W, R963W.
Identifiers: ClinVar variation 312384 (VCV000312384.46), dbSNP rs746485916, ClinGen allele CA6988802.

ClinVar aggregate classification (germline): Pathogenic/Likely pathogenic. Review status: criteria provided, multiple submitters, no conflicts (2 of 4 stars). 15 submissions from 15 submitters: Pathogenic (9); Likely pathogenic (4). 2 of the submissions do not count toward it. Last evaluated 2026-01-06.

Conditions:
Wilson disease (WND). Also called: Wilson's disease. Identifiers: Orphanet 905, MedGen C0019202, MONDO:0010200, OMIM 277900. Disease mechanism: loss of function.
ATP7B-related disorder. Also called: ATP7B-related condition.

Allele frequency attached by ClinVar (database versions not stated): TOPMed 0.00002; gnomAD 0.00003.
gnomAD v4.1: 23 of 1,613,906 alleles (0.0014%); highest among the groups gnomAD compares: Non-Finnish European, 0.0018%; no homozygotes.

Submissions (15):

Labcorp Genetics (formerly Invitae), Labcorp
Classification: Pathogenic for Wilson disease. Last evaluated: 2026-01-06. Review status: criteria provided, single submitter. Criteria: Invitae Variant Classification Sherloc (09022015). Collection method: clinical testing. Allele origin: germline.
Comment: This sequence change replaces arginine, which is basic and polar, with tryptophan, which is neutral and slightly polar, at codon 1041 of the ATP7B protein (p.Arg1041Trp). This variant is present in population databases (rs746485916, gnomAD 0.007%). This missense change has been observed in individual(s) with Wilson disease (PMID: 10544227, 15024742, 15967699, 18855987, 20931554, 21610751, 22677543, 25982861, 27022412; internal data). In at least one individual the data is consistent with being in trans (on the opposite chromosome) from a pathogenic variant. ClinVar contains an entry for this variant (Variation ID: 312384). Invitae Evidence Modeling of protein sequence and biophysical properties (such as structural, functional, and spatial information, amino acid conservation, physicochemical variation, residue mobility, and thermodynamic stability) indicates that this missense variant is not expected to disrupt ATP7B protein function with a negative predictive value of 80%. Experimental studies have shown that this missense change does not substantially affect ATP7B function (PMID: 18203200). This variant disrupts the p.Arg1041 amino acid residue in ATP7B. Other variant(s) that disrupt this residue have been observed in individuals with ATP7B-related conditions (PMID: 10194254), which suggests that this may be a clinically significant amino acid residue. For these reasons, this variant has been classified as Pathogenic.

CeGaT Center for Human Genetics Tuebingen
Classification: Pathogenic. Last evaluated: 2026-01-01. Review status: criteria provided, single submitter. Criteria: CeGaT Center For Human Genetics Tuebingen Variant Classification Criteria Version 2. Collection method: clinical testing. Allele origin: germline. Affected: yes. Observed: 4 variant alleles.
Comment: ATP7B: PM3:Very Strong, PM1, PM2, PM5, PP4

Natera, Inc.
Classification: Pathogenic for Wilson disease. Last evaluated: 2025-06-10. Review status: criteria provided, single submitter. Criteria: Natera Variant Classification Schema (03/2026). Collection method: clinical testing. Allele origin: germline.
Comment: The c.3121C>T variant in ATP7B is a missense variant predicted to cause substitution of arginine to tryptophan at amino acid 1041. This variant is rare in the general population with a frequency below the threshold expected for the associated phenotype(s). This variant has been observed in one or more individuals affected with the associated recessive disease, as either homozygous or compound heterozygous with a second variant (PMID: 35220961, 30232804, 21610751, 20517649). Computational prediction algorithms indicate this variant is likely to affect gene or protein function. Given the available evidence, this variant is classified as Pathogenic.

Mayo Clinic Laboratories, Mayo Clinic
Classification: Pathogenic. Last evaluated: 2024-08-22. Review status: criteria provided, single submitter. Criteria: ACMG Guidelines, 2015. Collection method: clinical testing. Allele origin: germline.
Comment: PP3, PP4, PM2_moderate, PM3_very_strong, PM5

All of Us Research Program, National Institutes of Health
Classification: Pathogenic for Wilson disease. Last evaluated: 2024-07-29. Review status: criteria provided, single submitter. Criteria: ACMG Guidelines, 2015. Collection method: clinical testing. Allele origin: germline. Inheritance: Autosomal recessive inheritance. Observed: 19 variant alleles, 19 heterozygotes.
Comment: This missense variant replaces arginine with tryptophan at codon 1041 of the ATP7B protein. Computational prediction suggests that this variant may have deleterious impact on protein structure and function (internally defined REVEL score threshold >= 0.7, PMID: 27666373). This variant alters a conserved arginine residue in the ATP nucleotide binding domain of the ATP7B protein (a.a. 1032 - 1196), a highly conserved region that is considered to be important for ATP7B protein function (PMID: 35245129; ClinVar). It has been shown that this variant does not substantially affect ATP7B protein function in a yeast study (PMID: 18203200). This variant has been reported in almost twenty individuals affected with autosomal recessive Wilson disease (PMID: 9671269, 10544227, 15024742, 15205742, 15967699, 18855987, 20517649, 20931554, 21610751, 22677543, 23333878, 23518715, 25982861, 27022412). This variant was observed in the compound heterozygous state with a second pathogenic variant in at least six affected individuals and in the homozygous state in at least five affected individuals (PMID: 10544227, 15205742, 18855987, 20517649, 21610751, 23518715, 25982861), indicating that this variant contributes to disease. This variant has been identified in 8/248998 chromosomes in the general population by the Genome Aggregation Database (gnomAD). Based on the available evidence, this variant is classified as Pathogenic.

This study involves interpretation of variants in research participants for the purpose of population health screening. Participant phenotype was not available at the time of variant classification. Additional details can be found in publication PMID: 35346344, PMCID: PMC8962531

Color Diagnostics, LLC DBA Color Health
Classification: Pathogenic for Wilson disease. Last evaluated: 2024-07-10. Review status: criteria provided, single submitter. Criteria: ACMG Guidelines, 2015. Collection method: clinical testing. Allele origin: germline.
Comment: This missense variant replaces arginine with tryptophan at codon 1041 of the ATP7B protein. Computational prediction suggests that this variant may have deleterious impact on protein structure and function. This variant alters a conserved arginine residue in the ATP nucleotide binding domain of the ATP7B protein (a.a. 1032 - 1196), a highly conserved region that is considered to be important for ATP7B protein function (PMID: 35245129ClinVar). It has been shown that this variant does not substantially affect ATP7B protein function in a yeast study (PMID: 18203200). This variant has been reported in almost twenty individuals affected with autosomal recessive Wilson disease (PMID: 9671269, 10544227, 15024742, 15205742, 15967699, 18855987, 20517649, 20931554, 21610751, 22677543, 23333878, 23518715, 25982861, 27022412). This variant was observed in the compound heterozygous state with a second pathogenic variant in at least six affected individuals and in the homozygous state in at least five affected individuals (PMID: 10544227, 15205742, 18855987, 20517649, 21610751, 23518715, 25982861), indicating that this variant contributes to disease. This variant has been identified in 8/248998 chromosomes in the general population by the Genome Aggregation Database (gnomAD). Based on the available evidence, this variant is classified as Pathogenic.

Baylor Genetics
Classification: Pathogenic for Wilson disease. Last evaluated: 2024-02-26. Review status: criteria provided, single submitter. Criteria: ACMG Guidelines, 2015. Collection method: clinical testing. Allele origin: unknown.

Fulgent Genetics
Classification: Likely pathogenic for Wilson disease. Last evaluated: 2024-02-25. Review status: criteria provided, single submitter. Criteria: ACMG Guidelines, 2015. Collection method: clinical testing. Allele origin: germline.

GeneDx
Classification: Likely pathogenic. Last evaluated: 2023-04-19. Review status: criteria provided, single submitter. Criteria: GeneDx Variant Classification Process June 2021. Collection method: clinical testing. Allele origin: germline. Affected: yes.
Comment: In silico analysis supports that this missense variant has a deleterious effect on protein structure/function; Not observed at significant frequency in large population cohorts (gnomAD); This variant is associated with the following publications: (PMID: 9671269, 31589614, 24253677, 18203200, 22692182, 27022412, 25982861, 31746411, 29930488, 23518715, 21610751, 34400371, 15967699, 15024742, 20931554, 22677543, 23333878, 18855987, 36360177, 33640437, 32770663, 34470610)

Institute for Clinical Genetics, University Hospital TU Dresden, University Hospital TU Dresden
Classification: Pathogenic. Last evaluated: 2022-08-29. Review status: criteria provided, single submitter. Criteria: ACMG Guidelines, 2015. Collection method: clinical testing. Allele origin: germline.
Comment: PM3, PS3, PP3, PS4, PM2_SUP

Blueprint Genetics
Classification: Pathogenic for ATP7B-related disorders. Last evaluated: 2021-09-23. Review status: criteria provided, single submitter. Criteria: ACMG Guidelines, 2015. Collection method: clinical testing. Allele origin: germline. Affected: yes. Observed: 3 variant alleles.

Genome-Nilou Lab
Classification: Likely pathogenic for Wilson disease. Last evaluated: 2021-08-10. Review status: criteria provided, single submitter. Criteria: ACMG Guidelines, 2015. Collection method: clinical testing. Allele origin: germline. Affected: no.

Illumina Laboratory Services, Illumina
Classification: Likely pathogenic for Wilson disease. Last evaluated: 2017-04-27. Review status: criteria provided, single submitter. Criteria: ICSL Variant Classification Criteria 09 May 2019. Collection method: clinical testing. Allele origin: germline.
Comment: Across a selection of the available literature, the ATP7B c.3121C>T (p.Arg1041Trp) missense variant has been identified in a compound heterozygous state in four patients with Wilson disease, including two siblings (Loudianos et al. 1998; Loudianos et al. 1999; Deguti et al. 2004; Kucinskas et al. 2008). Simsek Papur et al. (2013) and Guggilla et al. (2015) also identified the p.Arg1041Trp variant in four alleles in a cohort of affected individuals where zygosity was not stated. Coffey et al. (2013) reported the p.Arg1041Trp variant in a heterozygous state in one of 5,162 controls and it is reported at a frequency of 0.00008 in the European (non-Finnish) population of the Exome Aggregation Consortium. Experiments in yeast revealed that the p.Arg1041Trp variant was able to complement copper transport function, however the evidence is limited as other aspects of protein function were not evaluated (Hsi et al. 2008). Based on the available evidence, the p.Arg1041Trp variant is classified as likely pathogenic for Wilson disease. This variant was observed by ICSL as part of a predisposition screen in an ostensibly healthy population.

PreventionGenetics, part of Exact Sciences
Classification: Pathogenic for ATP7B-related condition. Last evaluated: 2024-09-12. Review status: no assertion criteria provided. Collection method: clinical testing. Allele origin: germline. Not counted in ClinVar's aggregate classification.
Comment: The ATP7B c.3121C>T variant is predicted to result in the amino acid substitution p.Arg1041Trp. This variant was reported in large cohorts of individuals with Wilson disease (see, for example, Loudianos et al. 1998. PubMed ID: 9671269; Squitti et al. 2013. PubMed ID: 24253677; Guggilla et al. 2015. PubMed ID: 25982861; Couchonnal et al. 2021. PubMed ID: 34400371; Table S4, Zhang et al. 2022. PubMed ID: 35220961; Bost et al. 2012. PubMed ID: 22677543; Wan et al. 2010. PubMed ID: 20931554; Vrabelova et al. 2005. PubMed ID: 15967699; Deguti et al. 2004. PubMed ID: 15024742). This variant is reported in 0.0071% of alleles in individuals of European (Non-Finnish) descent in gnomAD. This variant is interpreted as pathogenic.

Counsyl
Classification: Likely pathogenic for Wilson disease. Last evaluated: 2017-03-30. Review status: no assertion criteria provided. Collection method: clinical testing. Allele origin: unknown. Not counted in ClinVar's aggregate classification.

Literature cited by the submitters: PubMed 10544227 (cited by 6 submitters); PubMed 15024742 (cited by 6 submitters); PubMed 15967699 (cited by 5 submitters); PubMed 18855987 (cited by 6 submitters); PubMed 20931554 (cited by 5 submitters); PubMed 21610751 (cited by 6 submitters); PubMed 22677543 (cited by 4 submitters); PubMed 25982861 (cited by 6 submitters); PubMed 27022412 (cited by 5 submitters); PubMed 18203200 (cited by 6 submitters); PubMed 10194254 (cited by Labcorp Genetics (formerly Invitae), Labcorp); PubMed 35220961 (cited by Natera, Inc. and Mayo Clinic Laboratories, Mayo Clinic); PubMed 30232804 (cited by Natera, Inc.); PubMed 20517649 (cited by 4 submitters); PubMed 23333878 (cited by 5 submitters); PubMed 23518715 (cited by 5 submitters); PubMed 24718822 (cited by Mayo Clinic Laboratories, Mayo Clinic); PubMed 31746411 (cited by Mayo Clinic Laboratories, Mayo Clinic); PubMed 34400371 (cited by Mayo Clinic Laboratories, Mayo Clinic); PubMed 9671269 (cited by 4 submitters); PubMed 15205742 (cited by 3 submitters); PubMed 35245129 (cited by All of Us Research Program, National Institutes of Health and Color Diagnostics, LLC DBA Color Health).